The following is an entry in ClinVar:

NM_000094.4(COL7A1):c.1806dup (p.Gly603fs)

Gene: COL7A1 (collagen type VII alpha 1 chain; minus strand). Cytogenetic location: 3p21.31.
Variant type: Duplication.
Coding change: c.1806dup on transcript NM_000094.4 (MANE Select); coding-DNA position 1806, one base duplicated (A; older notation c.1806dupA).
Protein change: p.Gly603fs; shifts the reading frame from glycine 603.
Molecular consequence: frameshift variant.
Genome position (GRCh38, 1-based): chr3:48,590,559, T duplicated on the plus strand (A on the coding strand, the reverse complement: COL7A1 is on the minus strand). VCF-style (leftmost placement, unchanged base first): chr3-48590558-C-CT. GRCh37 (hg19) VCF-style: chr3-48627991-C-CT.
Other names: short protein forms G603fs.
Identifiers: ClinVar variation 5016072 (VCV005016072.1).

ClinVar aggregate classification (germline): Pathogenic (1 of 4 stars; one submission).

Conditions:
Recessive dystrophic epidermolysis bullosa (RDEB). Also called: DYSTROPHIC EPIDERMOLYSIS BULLOSA, AUTOSOMAL RECESSIVE; EPIDERMOLYSIS BULLOSA DYSTROPHICA, HALLOPEAU-SIEMENS TYPE; Hallopeau-Siemens Disease; severe generalized recessive dystrophic epidermolysis bullosa; EPIDERMOLYSIS BULLOSA DYSTROPHICA, GENERALIZED SEVERE, AUTOSOMAL RECESSIVE; Epidermolysis Bullosa Distrophica Autosomal Recessive (RDEB). Identifiers: Orphanet 79408, Orphanet 79409, MedGen C0079474, MONDO:0009179, OMIM 226600.

Submission:

Myriad Genetics, Inc.
Classification: Pathogenic for Recessive dystrophic epidermolysis bullosa. Last evaluated: 2026-06-24. Review status: criteria provided, single submitter. Criteria: Myriad Autosomal Dominant, Autosomal Recessive and X-Linked Classification Criteria (2023). Collection method: clinical testing. Allele origin: unknown.
Comment: NM_000094.3(COL7A1):c.1806dupA(G603Rfs*28) is expected to be pathogenic in the context of dystrophic epidermolysis bullosa. This variant is predicted to lead to an abnormal or absent protein product due to the creation of a premature termination codon in COL7A1, a gene where loss-of-function variants are known to be pathogenic. Please note: this variant was assessed in the context of healthy population screening.